The following is an entry in ClinVar:

NM_000179.3(MSH6):c.341C>T (p.Pro114Leu)

Gene: MSH6 (mutS homolog 6; plus strand). Cytogenetic location: 2p16.3.
Variant type: single nucleotide variant.
Coding change: c.341C>T on transcript NM_000179.3 (MANE Select); coding-DNA position 341, C replaced by T.
Protein change: p.Pro114Leu; replaces proline 114 with leucine.
Molecular consequence: missense variant. On other transcripts: intron variant (1), 5 prime UTR variant (2).
Genome position (GRCh38, 1-based): chr2:47,791,007, C>T. VCF-style: chr2-47791007-C-T. GRCh37 (hg19) VCF-style: chr2-48018146-C-T.
Other names: c.437C>T, p.Pro146Leu (NM_001406802.1, NM_001406795.1); c.341C>T, p.Pro114Leu (NM_001406796.1, NM_001407362.1, NM_001406803.1 and 6 more transcripts); c.44C>T, p.Pro15Leu (NM_001406818.1, NM_001406820.1, NM_001406819.1 and 10 more transcripts); c.-396C>T (NM_001406823.1, NM_001406829.1, NM_001406811.1 and 1 more transcripts); c.173C>T, p.Pro58Leu (NM_001406826.1); c.-588C>T (NM_001406807.1); c.263C>T, p.Pro88Leu (NM_001406804.1); c.-654C>T (NM_001406814.1); and 2 more; short protein forms P15L, P88L, P114L, P146L, P58L.
Identifiers: ClinVar variation 1731247 (VCV001731247.2), dbSNP rs863224626, ClinGen allele CA346736971.

ClinVar aggregate classification (germline): Uncertain significance (1 of 4 stars; one submission).

Conditions:
Hereditary cancer-predisposing syndrome. Also called: Neoplastic Syndromes, Hereditary; Tumor predisposition; Hereditary Cancer Syndrome; Hereditary neoplastic syndrome. Identifiers: Orphanet 140162, MedGen C0027672, MeSH D009386, MONDO:0015356.

Submission:

Ambry Genetics
Classification: Uncertain significance for Hereditary cancer-predisposing syndrome. Last evaluated: 2021-08-24. Review status: criteria provided, single submitter. Criteria: Ambry Variant Classification Scheme 2023. Collection method: clinical testing. Allele origin: germline.
Comment: The p.P114L variant (also known as c.341C>T), located in coding exon 2 of the MSH6 gene, results from a C to T substitution at nucleotide position 341. The proline at codon 114 is replaced by leucine, an amino acid with similar properties. This amino acid position is highly conserved in available vertebrate species. In addition, the in silico prediction for this alteration is inconclusive. Since supporting evidence is limited at this time, the clinical significance of this alteration remains unclear.